The following is an entry in ClinVar:

ClinVar aggregate classification (germline): Uncertain significance. Review status: criteria provided, multiple submitters, no conflicts (2 of 4 stars). 2 submissions from 2 submitters: Uncertain significance (2). Last evaluated 2025-08-03.

Conditions:
Benign neonatal seizures. Also called: Benign familial neonatal seizures; Benign neonatal familial convulsions; Benign familial neonatal epilepsy; Convulsions benign familial neonatal dominant form; Autosomal dominant form of benign neonatal seizures. Identifiers: Orphanet 1949, MedGen C0220669, MONDO:0016027.
Seizures, benign familial neonatal, 2. Also called: CONVULSIONS, BENIGN FAMILIAL NEONATAL, 2; KCNQ3-Related Self-Limited Familial Neonatal Epilepsy (SLFNE); Benign Neonatal Epilepsy 2; KCNQ3-Related Benign Familial Neonatal Epilepsy; Seizures, benign neonatal, 2. Identifiers: Orphanet 1949, MedGen C1852581, MONDO:0007366, OMIM 121201.

Allele frequency attached by ClinVar (database versions not stated): ESP Exome Variant Server 0.00008; ExAC 0.00001; TOPMed 0.00004; gnomAD exomes 0.00001 and 0.00003; gnomAD 0.00005.
gnomAD v4.1: 56 of 1,613,980 alleles (0.0035%); highest among the groups gnomAD compares: South Asian, 0.018%; no homozygotes.

Submissions (2):

Labcorp Genetics (formerly Invitae), Labcorp
Classification: Uncertain significance for Benign neonatal seizures. Last evaluated: 2025-08-03. Review status: criteria provided, single submitter. Criteria: Invitae Variant Classification Sherloc (09022015). Collection method: clinical testing. Allele origin: germline.
Comment: This sequence change replaces arginine, which is basic and polar, with glutamine, which is neutral and polar, at codon 722 of the KCNQ3 protein (p.Arg722Gln). This variant is present in population databases (rs377725346, gnomAD 0.006%). This variant has not been reported in the literature in individuals affected with KCNQ3-related conditions. ClinVar contains an entry for this variant (Variation ID: 361874). Invitae Evidence Modeling of protein sequence and biophysical properties (such as structural, functional, and spatial information, amino acid conservation, physicochemical variation, residue mobility, and thermodynamic stability) indicates that this missense variant is not expected to disrupt KCNQ3 protein function with a negative predictive value of 95%. In summary, the available evidence is currently insufficient to determine the role of this variant in disease. Therefore, it has been classified as a Variant of Uncertain Significance.

Illumina Laboratory Services, Illumina
Classification: Uncertain significance for Seizures, benign familial neonatal, 2. Last evaluated: 2018-01-13. Review status: criteria provided, single submitter. Criteria: ICSL Variant Classification Criteria 13 December 2019. Collection method: clinical testing. Allele origin: germline.

NM_004519.4(KCNQ3):c.2165G>A (p.Arg722Gln)

Gene: KCNQ3 (potassium voltage-gated channel subfamily Q member 3; minus strand). Cytogenetic location: 8q24.22.
Variant type: single nucleotide variant.
Coding change: c.2165G>A on transcript NM_004519.4 (MANE Select); coding-DNA position 2165, G replaced by A.
Protein change: p.Arg722Gln; replaces arginine 722 with glutamine.
Molecular consequence: missense variant.
Genome position (GRCh38, 1-based): chr8:132,129,716, C>T on the plus strand (G>A on the coding strand, the complement: KCNQ3 is on the minus strand). VCF-style: chr8-132129716-C-T. GRCh37 (hg19) VCF-style: chr8-133141963-C-T.
Other names: c.1805G>A, p.Arg602Gln (NM_001204824.2); short protein forms R722Q, R602Q.
Identifiers: ClinVar variation 361874 (VCV000361874.14), dbSNP rs377725346, ClinGen allele CA4880495.